The following is an entry in ClinVar:

ClinVar aggregate classification (germline): Uncertain significance (1 of 4 stars; one submission).

Allele frequency attached by ClinVar (database versions not stated): gnomAD exomes below 0.00001; TOPMed below 0.00001; gnomAD 0.00001.

Submission:

GeneDx
Classification: Uncertain significance. Last evaluated: 2022-07-07. Review status: criteria provided, single submitter. Criteria: GeneDx Variant Classification Process June 2021. Collection method: clinical testing. Allele origin: germline. Affected: yes.
Comment: Not observed in large population cohorts (gnomAD); Non-canonical splice site variant demonstrated to result in loss of function in a gene or region of a gene for which loss of function is not a well-established mechanism of disease; Has not been previously published as pathogenic or benign to our knowledge

NM_012309.5(SHANK2):c.207+5G>C

Gene: SHANK2 (SH3 and multiple ankyrin repeat domains 2; minus strand). Cytogenetic location: 11q13.4.
Variant type: single nucleotide variant.
Coding change: c.207+5G>C on transcript NM_012309.5 (MANE Select); 5 bases into the intron after coding-DNA position 207, G replaced by C.
Molecular consequence: intron variant.
Genome position (GRCh38, 1-based): chr11:71,147,115, C>G on the plus strand (G>C on the coding strand, the complement: SHANK2 is on the minus strand). VCF-style: chr11-71147115-C-G. GRCh37 (hg19) VCF-style: chr11-70858161-C-G.
Identifiers: ClinVar variation 2662876 (VCV002662876.1), dbSNP rs1337239694, ClinGen allele CA679876657.
Genomic context (GRCh38, chr11:71,147,115, plus strand): 5'-TCTGGCGTTCAAGCCACAGGTGACATTGTCCAGATGTGAACCAAAGGGCAGACCACGGGG[C>G]TCACCGTCTGCTGCAGGTCATGGATGACCACGCGGATCACCAGCGTGTTGCCCTGGCTCT-3'